The following is an entry in ClinVar:

ClinVar aggregate classification (germline): Conflicting classifications of pathogenicity. Review status: criteria provided, conflicting classifications (1 of 4 stars). 7 submissions from 7 submitters: Uncertain significance (2); Likely benign (4). 1 of the submissions does not count toward it. Last evaluated 2026-09-18.

Conditions:
MAP2K2-related disorder. Also called: MAP2K2-related condition.
RASopathy. Also called: rasopathies; Noonan spectrum disorder. Identifiers: Orphanet 536391, MedGen C5555857, MONDO:0021060.
Noonan syndrome (NS). Also called: Noonan's syndrome. Identifiers: Orphanet 648, MedGen C0028326, MeSH D009634, MONDO:0018997. Disease mechanism: gain of function.

Allele frequency attached by ClinVar (database versions not stated): gnomAD 0.00008; TOPMed 0.00008; gnomAD exomes 0.00009; ESP Exome Variant Server 0.00015; 1000 Genomes Project 30x 0.00016; ExAC 0.00016; 1000 Genomes Project 0.00020.
gnomAD v4.1: 73 of 1,605,734 alleles (0.0045%); highest among the groups gnomAD compares: East Asian, 0.018%; no homozygotes.

Submissions (7):

PreventionGenetics, part of Exact Sciences
Classification: Likely benign for MAP2K2-related condition. Last evaluated: 2026-09-18. Review status: criteria provided, single submitter. Criteria: ACMG Guidelines, 2015. Collection method: clinical testing. Allele origin: germline.
Comment: This variant is classified as likely benign based on ACMG/AMP sequence variant interpretation guidelines (Richards et al. 2015 PMID: 25741868, with internal and published modifications).

Labcorp Genetics (formerly Invitae), Labcorp
Classification: Likely benign for RASopathy. Last evaluated: 2025-12-17. Review status: criteria provided, single submitter. Criteria: Invitae Variant Classification Sherloc (09022015). Collection method: clinical testing. Allele origin: germline.

Women's Health and Genetics/Laboratory Corporation of America, LabCorp
Classification: Likely benign. Last evaluated: 2021-09-26. Review status: criteria provided, single submitter. Criteria: LabCorp Variant Classification Summary - May 2015. Collection method: clinical testing. Allele origin: germline.
Comment: Variant summary: MAP2K2 c.853G>A (p.Asp285Asn) results in a conservative amino acid change located in the Protein kinase domain (IPR000179) of the encoded protein sequence. Four of five in-silico tools predict a benign effect of the variant on protein function. The variant allele was found at a frequency of 9.1e-05 in 231844 control chromosomes. The observed variant frequency is approximately 121 fold of the estimated maximal expected allele frequency for a pathogenic variant in MAP2K2 causing Cardiofaciocutaneous Syndrome phenotype (7.5e-07), strongly suggesting that the variant is benign. c.853G>A has been reported in the literature as a VUS in settings of multigene panel testing for individuals affected with cardiomyopathy (example, Aljeaid_2019). These report(s) do not provide unequivocal conclusions about association of the variant with Cardiofaciocutaneous Syndrome. To our knowledge, no experimental evidence demonstrating an impact on protein function has been reported. Four clinical diagnostic laboratories have submitted clinical-significance assessments for this variant to ClinVar after 2014 without evidence for independent evaluation. Multiple laboratories reported the variant with conflicting assessments (likely benign, n=2; VUS, n=2). Based on the evidence outlined above, the variant was classified as likely benign.

Laboratory for Molecular Medicine, Mass General Brigham Personalized Medicine
Classification: Uncertain significance. Last evaluated: 2018-03-06. Review status: criteria provided, single submitter. Criteria: LMM Criteria. Collection method: clinical testing. Allele origin: germline.
Comment: Disclaimer: This variant has not undergone full assessment. The following are preliminary notes: GnomAd 19:4099304 C / T: Total 4/230480; not well conserved Platypus, Naked_mole rat, and Zebra_mbuna(fish) have threonine; Not in Pubmed, Google search or HGMD; VUS by GeneDx in ClinVar; benign by polyphen

GeneDx
Classification: Likely benign. Last evaluated: 2017-11-28. Review status: criteria provided, single submitter. Criteria: GeneDx Variant Classification (06012015). Collection method: clinical testing. Allele origin: germline. Affected: yes.
Comment: This variant is considered likely benign or benign based on one or more of the following criteria: it is a conservative change, it occurs at a poorly conserved position in the protein, it is predicted to be benign by multiple in silico algorithms, and/or has population frequency not consistent with disease.

ARUP Laboratories, Molecular Genetics and Genomics, ARUP Laboratories
Classification: Uncertain significance. Last evaluated: 2017-03-10. Review status: criteria provided, single submitter. Criteria: ARUP Molecular Germline Variant Investigation Process. Collection method: clinical testing. Allele origin: germline.

Service de Génétique Moléculaire, Hôpital Robert Debré
Classification: Uncertain significance for Noonan syndrome. Review status: no assertion criteria provided. Collection method: clinical testing. Allele origin: unknown. Affected: yes. Not counted in ClinVar's aggregate classification.

Literature cited by the submitters: PubMed 30762279 (cited by Women's Health and Genetics/Laboratory Corporation of America, LabCorp).

NM_030662.4(MAP2K2):c.853G>A (p.Asp285Asn)

Gene: MAP2K2 (mitogen-activated protein kinase kinase 2; minus strand). Cytogenetic location: 19p13.3.
Variant type: single nucleotide variant.
Coding change: c.853G>A on transcript NM_030662.4 (MANE Select); coding-DNA position 853, G replaced by A.
Protein change: p.Asp285Asn; replaces aspartic acid 285 with asparagine.
Molecular consequence: missense variant.
Genome position (GRCh38, 1-based): chr19:4,099,267, C>T on the plus strand (G>A on the coding strand, the complement: MAP2K2 is on the minus strand). VCF-style: chr19-4099267-C-T. GRCh37 (hg19) VCF-style: chr19-4099265-C-T.
Other names: p.D285N:GAC>AAC; short protein forms D285N.
Identifiers: ClinVar variation 40828 (VCV000040828.24), dbSNP rs150369301, ClinGen allele CA296142.